The following is an entry in ClinVar:

ClinVar aggregate classification (germline): Uncertain significance. Review status: criteria provided, multiple submitters, no conflicts (2 of 4 stars). 2 submissions from 2 submitters: Uncertain significance (2). Last evaluated 2025-06-26.

Conditions:
Hereditary cancer-predisposing syndrome. Also called: Neoplastic Syndromes, Hereditary; Tumor predisposition; Hereditary Cancer Syndrome; Hereditary neoplastic syndrome. Identifiers: Orphanet 140162, MedGen C0027672, MeSH D009386, MONDO:0015356.
Familial adenomatous polyposis 1 (FAP1). Also called: FAMILIAL ADENOMATOUS POLYPOSIS 1, ATTENUATED; POLYPOSIS, ADENOMATOUS INTESTINAL. Identifiers: MedGen C2713442, MONDO:0021056, OMIM 175100. Disease mechanism: loss of function.

Allele frequency attached by ClinVar (database versions not stated): TOPMed below 0.00001.

Submissions (2):

Ambry Genetics
Classification: Uncertain significance for Hereditary cancer-predisposing syndrome. Last evaluated: 2025-06-26. Review status: criteria provided, single submitter. Criteria: Ambry Variant Classification Scheme 2023. Collection method: clinical testing. Allele origin: germline.
Comment: The p.P2513L variant (also known as c.7538C>T), located in coding exon 15 of the APC gene, results from a C to T substitution at nucleotide position 7538. The proline at codon 2513 is replaced by leucine, an amino acid with similar properties. This amino acid position is highly conserved in available vertebrate species. In addition, in silico predictors for this gene do not accurately predict pathogenicity. Missense alterations in APC are not a common cause of disease (Spier I et al. Genet Med. 2024 Feb;26(2):100992). Based on the available evidence, the clinical significance of this variant remains unclear.

Labcorp Genetics (formerly Invitae), Labcorp
Classification: Uncertain significance for Familial adenomatous polyposis 1. Last evaluated: 2024-10-12. Review status: criteria provided, single submitter. Criteria: Invitae Variant Classification Sherloc (09022015). Collection method: clinical testing. Allele origin: germline.
Comment: This sequence change replaces proline, which is neutral and non-polar, with leucine, which is neutral and non-polar, at codon 2513 of the APC protein (p.Pro2513Leu). This variant is not present in population databases (gnomAD no frequency). This variant has not been reported in the literature in individuals affected with APC-related conditions. ClinVar contains an entry for this variant (Variation ID: 1759408). Invitae Evidence Modeling of protein sequence and biophysical properties (such as structural, functional, and spatial information, amino acid conservation, physicochemical variation, residue mobility, and thermodynamic stability) indicates that this missense variant is not expected to disrupt APC protein function with a negative predictive value of 95%. In summary, the available evidence is currently insufficient to determine the role of this variant in disease. Therefore, it has been classified as a Variant of Uncertain Significance.

NM_000038.6(APC):c.7538C>T (p.Pro2513Leu)

Gene: APC (APC regulator of Wnt signaling pathway; plus strand). Cytogenetic location: 5q22.2.
Variant type: single nucleotide variant.
Coding change: c.7538C>T on transcript NM_000038.6 (MANE Select); coding-DNA position 7538, C replaced by T.
Protein change: p.Pro2513Leu; replaces proline 2513 with leucine.
Molecular consequence: missense variant.
Genome position (GRCh38, 1-based): chr5:112,843,132, C>T. VCF-style: chr5-112843132-C-T. GRCh37 (hg19) VCF-style: chr5-112178829-C-T.
Other names: c.7538C>T, p.Pro2513Leu (NM_001127510.3, NM_001354895.2, NM_001407450.1); c.7484C>T, p.Pro2495Leu (NM_001127511.3); c.7592C>T, p.Pro2531Leu (NM_001354896.2, NM_001407447.1, NM_001407448.1 and 1 more transcripts); c.7568C>T, p.Pro2523Leu (NM_001354897.2); c.7463C>T, p.Pro2488Leu (NM_001354898.2); c.7454C>T, p.Pro2485Leu (NM_001354899.2); c.7415C>T, p.Pro2472Leu (NM_001354900.2); c.7361C>T, p.Pro2454Leu (NM_001354901.2, NM_001407453.1); and 11 more; short protein forms P2422L, P2472L, P2495L, P2488L, P2503L, P2513L, P2531L, P2230L.
Identifiers: ClinVar variation 1759408 (VCV001759408.6), dbSNP rs1766505425, ClinGen allele CA16037719.